The following is an entry in ClinVar:

ClinVar aggregate classification (germline): Uncertain significance. Review status: criteria provided, multiple submitters, no conflicts (2 of 4 stars). 7 submissions from 7 submitters: Uncertain significance (7). Last evaluated 2025-12-14.

Conditions:
Cardiovascular phenotype. Identifiers: MedGen CN230736.
Catecholaminergic polymorphic ventricular tachycardia (CVPT). Also called: Catecholamine-induced polymorphic ventricular tachycardia. Identifiers: Orphanet 3286, MedGen C5574922, MONDO:0017990.
Cardiomyopathy (CMYO). Also called: Cardiomyopathies. Identifiers: Orphanet 167848, MedGen C0878544, MONDO:0004994, HP:0001638. Inheritance: Various modes of inheritance.
Arrhythmogenic right ventricular dysplasia 2. Identifiers: MedGen C1832931.
Catecholaminergic polymorphic ventricular tachycardia 1. Also called: VENTRICULAR TACHYCARDIA, CATECHOLAMINERGIC POLYMORPHIC, 1, WITH OR WITHOUT ATRIAL DYSFUNCTION AND/OR DILATED CARDIOMYOPATHY; RYR2-Related Catecholaminergic Polymorphic Ventricular Tachycardia; VENTRICULAR TACHYCARDIA, STRESS-INDUCED POLYMORPHIC 1. Identifiers: Orphanet 3286, MedGen C1631597, MONDO:0011484, OMIM 604772.

Allele frequency attached by ClinVar (database versions not stated): ExAC 0.00001; gnomAD 0.00001; gnomAD exomes 0.00001 and 0.00003; TOPMed 0.00001.
gnomAD v4.1: 42 of 1,610,814 alleles (0.0026%); highest among the groups gnomAD compares: East Asian, 0.0045%; no homozygotes.

Submissions (7):

Labcorp Genetics (formerly Invitae), Labcorp
Classification: Uncertain significance for Catecholaminergic polymorphic ventricular tachycardia 1. Last evaluated: 2025-12-14. Review status: criteria provided, single submitter. Criteria: Invitae Variant Classification Sherloc (09022015). Collection method: clinical testing. Allele origin: germline.
Comment: This sequence change replaces glutamic acid, which is acidic and polar, with glycine, which is neutral and non-polar, at codon 4659 of the RYR2 protein (p.Glu4659Gly). This variant is present in population databases (rs749030677, gnomAD 0.006%). This variant has not been reported in the literature in individuals affected with RYR2-related conditions. ClinVar contains an entry for this variant (Variation ID: 862663). Invitae Evidence Modeling of protein sequence and biophysical properties (such as structural, functional, and spatial information, amino acid conservation, physicochemical variation, residue mobility, and thermodynamic stability) has been performed for this missense variant. However, the output from this modeling did not meet the statistical confidence thresholds required to predict the impact of this variant on RYR2 protein function. In summary, the available evidence is currently insufficient to determine the role of this variant in disease. Therefore, it has been classified as a Variant of Uncertain Significance.

Ambry Genetics
Classification: Uncertain significance for Cardiovascular phenotype. Last evaluated: 2025-08-26. Review status: criteria provided, single submitter. Criteria: Ambry Variant Classification Scheme 2023. Collection method: clinical testing. Allele origin: germline.
Comment: The p.E4659G variant (also known as c.13976A>G), located in coding exon 97 of the RYR2 gene, results from an A to G substitution at nucleotide position 13976. The glutamic acid at codon 4659 is replaced by glycine, an amino acid with similar properties. This amino acid position is well conserved in available vertebrate species. In addition, this alteration is predicted to be deleterious by in silico analysis. Based on the available evidence, the clinical significance of this variant remains unclear.

GeneDx
Classification: Uncertain significance. Last evaluated: 2024-11-23. Review status: criteria provided, single submitter. Criteria: GeneDx Variant Classification Process June 2021. Collection method: clinical testing. Allele origin: germline. Affected: yes.
Comment: Not observed at significant frequency in large population cohorts (gnomAD); In silico analysis supports that this missense variant has a deleterious effect on protein structure/function; Has not been previously published as pathogenic or benign to our knowledge; Located in one of the three hot-spot regions of the RYR2 gene, where the majority of pathogenic missense variants occur (PMID: 19926015); This variant is associated with the following publications: (PMID: 19926015)

Color Diagnostics, LLC DBA Color Health
Classification: Uncertain significance for Cardiomyopathy. Last evaluated: 2024-02-05. Review status: criteria provided, single submitter. Criteria: ACMG Guidelines, 2015. Collection method: clinical testing. Allele origin: germline.
Comment: This variant is located in the RYR2 protein. Computational prediction is inconclusive regarding the impact of this variant on protein structure and function (internally defined REVEL score threshold 0.5 < inconclusive < 0.7, PMID: 27666373). To our knowledge, functional studies have not been reported for this variant. This variant has not been reported in individuals affected with cardiovascular disorders in the literature. This variant has been identified in 3/243116 chromosomes in the general population by the Genome Aggregation Database (gnomAD). The available evidence is insufficient to determine the role of this variant in disease conclusively. Therefore, this variant is classified as a Variant of Uncertain Significance.

All of Us Research Program, National Institutes of Health
Classification: Uncertain significance for Catecholaminergic polymorphic ventricular tachycardia. Last evaluated: 2023-12-01. Review status: criteria provided, single submitter. Criteria: ACMG Guidelines, 2015. Collection method: clinical testing. Allele origin: germline. Inheritance: Autosomal dominant inheritance. Observed: 5 variant alleles, 5 heterozygotes.
Comment: This variant is located in the RYR2 protein. Computational prediction is inconclusive regarding the impact of this variant on protein structure and function (internally defined REVEL score threshold 0.5 < inconclusive < 0.7, PMID: 27666373). To our knowledge, functional studies have not been reported for this variant. This variant has not been reported in individuals affected with cardiovascular disorders in the literature. This variant has been identified in 3/243116 chromosomes in the general population by the Genome Aggregation Database (gnomAD). The available evidence is insufficient to determine the role of this variant in disease conclusively. Therefore, this variant is classified as a Variant of Uncertain Significance.

This study involves interpretation of variants in research participants for the purpose of population health screening. Participant phenotype was not available at the time of variant classification. Additional details can be found in publication PMID: 35346344, PMCID: PMC8962531

AiLife Diagnostics
Classification: Uncertain significance. Last evaluated: 2022-01-20. Review status: criteria provided, single submitter. Criteria: ACMG Guidelines, 2015. Collection method: clinical testing. Allele origin: germline. Affected: yes. Observed: 1 variant allele.

MGZ Medical Genetics Center
Classification: Uncertain significance for Catecholaminergic polymorphic ventricular tachycardia 1. Last evaluated: 2021-11-26. Review status: criteria provided, single submitter. Criteria: ACMG Guidelines, 2015. Collection method: clinical testing. Allele origin: germline. Affected: yes. Observed: 1 variant allele.
Comment: ACMG criteria applied: PM2_SUP, PP2, PP3

NM_001035.3(RYR2):c.13976A>G (p.Glu4659Gly)

Gene: RYR2 (ryanodine receptor 2; plus strand). Cytogenetic location: 1q43.
Variant type: single nucleotide variant.
Coding change: c.13976A>G on transcript NM_001035.3 (MANE Select); coding-DNA position 13976, A replaced by G.
Protein change: p.Glu4659Gly; replaces glutamic acid 4659 with glycine.
Molecular consequence: missense variant.
Genome position (GRCh38, 1-based): chr1:237,798,056, A>G. VCF-style: chr1-237798056-A-G. GRCh37 (hg19) VCF-style: chr1-237961356-A-G.
Other names: short protein forms E4659G.
Identifiers: ClinVar variation 862663 (VCV000862663.21), dbSNP rs749030677, ClinGen allele CA067839.